The following is an entry in ClinVar:

NM_018979.4(WNK1):c.5998G>C (p.Glu2000Gln)

Gene: WNK1 (WNK lysine deficient protein kinase 1; plus strand). Cytogenetic location: 12p13.33.
Variant type: single nucleotide variant.
Coding change: c.5998G>C on transcript NM_018979.4 (MANE Select); coding-DNA position 5998, G replaced by C.
Protein change: p.Glu2000Gln; replaces glutamic acid 2000 with glutamine.
Molecular consequence: missense variant.
Genome position (GRCh38, 1-based): chr12:896,485, G>C. VCF-style: chr12-896485-G-C. GRCh37 (hg19) VCF-style: chr12-1005651-G-C.
Other names: c.6754G>C, p.Glu2252Gln (NM_213655.5); c.6778G>C, p.Glu2260Gln (NM_001184985.2); c.5254G>C, p.Glu1752Gln (NM_014823.3); short protein forms E1752Q, E2000Q, E2252Q, E2260Q.
Identifiers: ClinVar variation 644696 (VCV000644696.9), dbSNP rs774666279, ClinGen allele CA6383309.
Genomic context (GRCh38, chr12:896,485, plus strand): 5'-CCTTTTATGGATTTGGAACAAGCTGTTCTTCCTGCTGTGATACCAAAGAAAGAGAAGCCT[G>C]AACTGTCAGAGCCTTCACATCTAAATGGGCCGTCTTCTGACCCGGAGGCCGCTTTTTTAA-3'
Protein context (NP_061852.3, residues 1990-2010): PAVIPKKEKP[Glu2000Gln]LSEPSHLNGP

ClinVar aggregate classification (germline): Uncertain significance. Review status: criteria provided, multiple submitters, no conflicts (2 of 4 stars). 2 submissions from 2 submitters: Uncertain significance (2). Last evaluated 2023-05-10.

Conditions:
Neuropathy, hereditary sensory and autonomic, type 2A (HSAN2A). Also called: WNK1-Related HSAN2 (HSAN2A); ACROOSTEOLYSIS, GIACCAI TYPE; ACROOSTEOLYSIS, NEUROGENIC; HSAN IIA; MORVAN DISEASE; NEUROPATHY, CONGENITAL SENSORY. Identifiers: Orphanet 970, MedGen C2752089, MONDO:0024309, OMIM 201300.
Pseudohypoaldosteronism type 2C (PHA2C). Also called: Pseudohypoaldosteronism Type IIC. Identifiers: Orphanet 757, Orphanet 88940, MedGen C1840391, MONDO:0013778, OMIM 614492.

Allele frequency attached by ClinVar (database versions not stated): gnomAD exomes 0.00001; ExAC 0.00002; TOPMed 0.00003; gnomAD 0.00004.
gnomAD v4.1: 19 of 1,613,748 alleles (0.0012%); highest among the groups gnomAD compares: African/African-American, 0.0094%; no homozygotes.

Submissions (2):

Labcorp Genetics (formerly Invitae), Labcorp
Classification: Uncertain significance for Neuropathy, hereditary sensory and autonomic, type 2A; Pseudohypoaldosteronism type 2C. Last evaluated: 2023-05-10. Review status: criteria provided, single submitter. Criteria: Invitae Variant Classification Sherloc (09022015). Collection method: clinical testing. Allele origin: germline.
Comment: This sequence change replaces glutamic acid, which is acidic and polar, with glutamine, which is neutral and polar, at codon 2252 of the WNK1 protein (p.Glu2252Gln). This variant is present in population databases (rs774666279, gnomAD 0.01%). This variant has not been reported in the literature in individuals affected with WNK1-related conditions. ClinVar contains an entry for this variant (Variation ID: 644696). Advanced modeling of protein sequence and biophysical properties (such as structural, functional, and spatial information, amino acid conservation, physicochemical variation, residue mobility, and thermodynamic stability) performed at Invitae indicates that this missense variant is not expected to disrupt WNK1 protein function. In summary, the available evidence is currently insufficient to determine the role of this variant in disease. Therefore, it has been classified as a Variant of Uncertain Significance.

Fulgent Genetics
Classification: Uncertain significance for Neuropathy, hereditary sensory and autonomic, type 2A; Pseudohypoaldosteronism type 2C. Last evaluated: 2022-03-12. Review status: criteria provided, single submitter. Criteria: ACMG Guidelines, 2015. Collection method: clinical testing. Allele origin: unknown.